The following is an entry in ClinVar:

NM_000138.5(FBN1):c.4313G>A (p.Ser1438Asn)

Genes: FBN1 (fibrillin 1; minus strand), LOC126862124 (CDK7 strongly-dependent group 2 enhancer GRCh37_chr15:48764566-48765765; plus strand). Cytogenetic location: 15q21.1.
Variant type: single nucleotide variant.
Coding change: c.4313G>A on transcript NM_000138.5 (MANE Select); coding-DNA position 4313, G replaced by A.
Protein change: p.Ser1438Asn; replaces serine 1438 with asparagine.
Molecular consequence: missense variant.
Genome position (GRCh38, 1-based): chr15:48,472,574, C>T on the plus strand (G>A on the coding strand, the complement: FBN1 is on the minus strand). VCF-style: chr15-48472574-C-T. GRCh37 (hg19) VCF-style: chr15-48764771-C-T.
Other names: p.S1438N:AGT>AAT; short protein forms S1438N.
Identifiers: ClinVar variation 155792 (VCV000155792.24), dbSNP rs587782945, ClinGen allele CA014944.

ClinVar aggregate classification (germline): Conflicting classifications of pathogenicity. Review status: criteria provided, conflicting classifications (1 of 4 stars). 6 submissions from 6 submitters: Uncertain significance (3); Likely benign (2). 1 of the submissions does not count toward it. Last evaluated 2025-10-14.

Conditions:
Marfan syndrome (MFS). Also called: Marfan syndrome, classic; FBN1-Related Marfan Syndrome; Marfan syndrome type 1; Marfan's syndrome; MARFAN SYNDROME, TYPE I. Identifiers: Orphanet 284963, Orphanet 558, MedGen C0024796, MONDO:0007947, OMIM 154700.
Familial thoracic aortic aneurysm and aortic dissection (TAAD). Also called: Thoracic aortic aneurysms and dissections. Identifiers: Orphanet 91387, MedGen C4707243, MONDO:0019625.

Allele frequency attached by ClinVar (database versions not stated): gnomAD 0.00001; gnomAD exomes 0.00002 and 0.00006; ExAC 0.00006.
gnomAD v4.1: 40 of 1,613,862 alleles (0.0025%); highest among the groups gnomAD compares: East Asian, 0.089%; no homozygotes.

Submissions (6):

Labcorp Genetics (formerly Invitae), Labcorp
Classification: Likely benign for Marfan syndrome; Familial thoracic aortic aneurysm and aortic dissection. Last evaluated: 2025-10-14. Review status: criteria provided, single submitter. Criteria: Invitae Variant Classification Sherloc (09022015). Collection method: clinical testing. Allele origin: germline.

Color Diagnostics, LLC DBA Color Health
Classification: Likely benign for Familial thoracic aortic aneurysm and aortic dissection. Last evaluated: 2025-07-02. Review status: criteria provided, single submitter. Criteria: ACMG Guidelines, 2015. Collection method: clinical testing. Allele origin: germline.

All of Us Research Program, National Institutes of Health
Classification: Uncertain significance for Marfan syndrome. Last evaluated: 2023-12-18. Review status: criteria provided, single submitter. Criteria: ACMG Guidelines, 2015. Collection method: clinical testing. Allele origin: germline. Inheritance: Autosomal dominant inheritance. Observed: 6 variant alleles, 6 heterozygotes.
Comment: This missense variant replaces serine with asparagine at codon 1438 of the FBN1 protein. Computational prediction suggests that this variant may not impact protein structure and function (internally defined REVEL score threshold <= 0.5, PMID: 27666373). To our knowledge, functional studies have not been reported for this variant. This variant has not been reported in individuals affected with cardiovascular disorders in the literature. This variant has been identified in 7/282724 chromosomes in the general population by the Genome Aggregation Database (gnomAD). The available evidence is insufficient to determine the role of this variant in disease conclusively. Therefore, this variant is classified as a Variant of Uncertain Significance.

This study involves interpretation of variants in research participants for the purpose of population health screening. Participant phenotype was not available at the time of variant classification. Additional details can be found in publication PMID: 35346344, PMCID: PMC8962531

Ambry Genetics
Classification: Uncertain significance for Familial thoracic aortic aneurysm and aortic dissection. Last evaluated: 2020-11-16. Review status: criteria provided, single submitter. Criteria: Ambry Variant Classification Scheme 2023. Collection method: clinical testing. Allele origin: germline.
Comment: The p.S1438N variant (also known as c.4313G>A), located in coding exon 34 of the FBN1 gene, results from a G to A substitution at nucleotide position 4313. The serine at codon 1438 is replaced by asparagine, an amino acid with highly similar properties, and is located in the cbEGF-like #20 domain. This amino acid position is not well conserved in available vertebrate species. In addition, the in silico prediction for this alteration is inconclusive. Since supporting evidence is limited at this time, the clinical significance of this alteration remains unclear.

GeneDx
Classification: Uncertain significance. Last evaluated: 2014-03-15. Review status: criteria provided, single submitter. Criteria: GeneDx Variant Classification (06012015). Collection method: clinical testing. Allele origin: germline. Affected: yes.
Comment: p.Ser1438Asn (AGT>AAT): c.4313 G>A (NM_000138.4) The S1438N variant has not been published as a mutation or as a benign polymorphism to our knowledge. No population data is available for this substitution. The S1438N variant is a conservative amino acid substitution, which is not likely to impact secondary protein structure as these residues share similar properties. This substitution occurs at a position that is conserved across species within the calcium binding domain. In silico analysis is inconsistent in its predictions as to whether or not the variant is damaging to the protein structure/function. Missense mutations in nearby residues (C1431W, C1431Y, C1429S, Y1427C, Y1427D) have been reported in association with Marfan syndrome, supporting the functional importance of this region of the protein, however most of them involve a Cysteine substitution.Therefore, based on the currently available information, it is unclear whether these variants are pathogenic mutations or a rare benign variants. The variant is found in TAAD panel(s).

Department of Laboratory Medicine and Genetics, Samsung Medical Center
Classification: Uncertain significance for Marfan syndrome. Last evaluated: 2025-01-02. Review status: no assertion criteria provided. Collection method: clinical testing. Allele origin: germline. Not counted in ClinVar's aggregate classification.
Comment: The NM_000138.5:c.4313G>A is considered to be not rare in the general population database (gnomAD v2.1.1). In summary, the available evidence is currently insufficient to evaluate the pathogenicity of this variant, resulting its classification as a variant of uncertain significance (BS1).

Literature cited by the submitters: PubMed 27906200 (cited by Ambry Genetics and Department of Laboratory Medicine and Genetics, Samsung Medical Center); PubMed 37840311 (cited by Department of Laboratory Medicine and Genetics, Samsung Medical Center).